The following is an entry in ClinVar:

ClinVar aggregate classification (germline): Uncertain significance. Review status: criteria provided, multiple submitters, no conflicts (2 of 4 stars). 2 submissions from 2 submitters: Uncertain significance (2). Last evaluated 2023-10-10.

Conditions:
Intellectual developmental disorder, autosomal recessive 1. Also called: MENTAL RETARDATION, AUTOSOMAL RECESSIVE 1; Intellectual disability, autosomal recessive 1. Identifiers: Orphanet 88616, MedGen C1855304, MONDO:0009580, OMIM 249500.

Allele frequency attached by ClinVar (database versions not stated): gnomAD exomes 0.00005; ExAC 0.00015; 1000 Genomes Project 0.00020; ESP Exome Variant Server 0.00023; TOPMed 0.00046; 1000 Genomes Project 30x 0.00047; gnomAD 0.00048.
gnomAD v4.1: 146 of 1,565,528 alleles (0.0093%); highest among the groups gnomAD compares: African/African-American, 0.18%; no homozygotes.

Submissions (2):

Ambry Genetics
Classification: Uncertain significance. Last evaluated: 2023-10-10. Review status: criteria provided, single submitter. Criteria: Ambry Variant Classification Scheme 2023. Collection method: clinical testing. Allele origin: germline.

Department of Human Genetics, Hannover Medical School
Classification: Uncertain significance for Intellectual developmental disorder, autosomal recessive 1. Last evaluated: 2023-05-03. Review status: criteria provided, single submitter. Criteria: ACMG Guidelines, 2015. Collection method: clinical testing. Allele origin: germline. Affected: yes.
Comment: An in silico analysis of this missense variant using the REVEL program suggests that it may be a variant without clinical significance. The population database gnomAD reports a general allele frequency of 0.015% for the variant (ALL; highest allele frequency: 0.156% in the African population, AFR). Literature data are currently not available. A final evaluation of the variant is currently not possible based on the available data.

NM_003619.4(PRSS12):c.359A>C (p.Glu120Ala)

Gene: PRSS12 (serine protease 12; minus strand). Cytogenetic location: 4q26.
Variant type: single nucleotide variant.
Coding change: c.359A>C on transcript NM_003619.4 (MANE Select); coding-DNA position 359, A replaced by C.
Protein change: p.Glu120Ala; replaces glutamic acid 120 with alanine.
Molecular consequence: missense variant.
Genome position (GRCh38, 1-based): chr4:118,352,362, T>G on the plus strand (A>C on the coding strand, the complement: PRSS12 is on the minus strand). VCF-style: chr4-118352362-T-G. GRCh37 (hg19) VCF-style: chr4-119273517-T-G.
Other names: c.359A>C (NM_003619.3); short protein forms E120A.
Identifiers: ClinVar variation 2500692 (VCV002500692.2), dbSNP rs372488853, ClinGen allele CA3055965.